The following is an entry in ClinVar:

ClinVar aggregate classification (germline): Uncertain significance (1 of 4 stars; one submission).

Submission:

GeneDx
Classification: Uncertain significance. Last evaluated: 2019-12-16. Review status: criteria provided, single submitter. Criteria: GeneDx Variant Classification Process June 2021. Collection method: clinical testing. Allele origin: germline. Affected: yes.
Comment: Not observed in large population cohorts (Lek et al., 2016); In silico analysis, which includes protein predictors and evolutionary conservation, supports a deleterious effect; Has not been previously published as pathogenic or benign to our knowledge

NM_000079.4(CHRNA1):c.338A>G (p.Tyr113Cys)

Gene: CHRNA1 (cholinergic receptor nicotinic alpha 1 subunit; minus strand). Cytogenetic location: 2q31.1.
Variant type: single nucleotide variant.
Coding change: c.338A>G on transcript NM_000079.4 (MANE Select); coding-DNA position 338, A replaced by G.
Protein change: p.Tyr113Cys; replaces tyrosine 113 with cysteine.
Molecular consequence: missense variant.
Genome position (GRCh38, 1-based): chr2:174,757,572, T>C on the plus strand (A>G on the coding strand, the complement: CHRNA1 is on the minus strand). VCF-style: chr2-174757572-T-C. GRCh37 (hg19) VCF-style: chr2-175622300-T-C.
Other names: c.413A>G, p.Tyr138Cys (NM_001039523.3); short protein forms Y113C, Y138C.
Identifiers: ClinVar variation 1311218 (VCV001311218.2), dbSNP rs760198514, ClinGen allele CA349343097.